The following is an entry in ClinVar:

ClinVar aggregate classification (germline): Uncertain significance (1 of 4 stars; one submission).

Submission:

GeneDx
Classification: Uncertain significance. Last evaluated: 2026-09-10. Review status: criteria provided, single submitter. Criteria: GeneDx Variant Classification Process June 2021. Collection method: clinical testing. Allele origin: germline.
Comment: Not observed at significant frequency in large population cohorts (gnomAD); In silico analysis supports that this missense variant has a deleterious effect on protein structure/function; Has not been previously published as pathogenic or benign to our knowledge

NM_004380.3(CREBBP):c.3677C>A (p.Ala1226Asp)

Gene: CREBBP (CREB binding lysine acetyltransferase; minus strand). Cytogenetic location: 16p13.3.
Variant type: single nucleotide variant.
Coding change: c.3677C>A on transcript NM_004380.3 (MANE Select); coding-DNA position 3677, C replaced by A.
Protein change: p.Ala1226Asp; replaces alanine 1226 with aspartic acid.
Molecular consequence: missense variant.
Genome position (GRCh38, 1-based): chr16:3,757,309, G>T on the plus strand (C>A on the coding strand, the complement: CREBBP is on the minus strand). VCF-style: chr16-3757309-G-T. GRCh37 (hg19) VCF-style: chr16-3807310-G-T.
Other names: c.3563C>A, p.Ala1188Asp (NM_001079846.1); short protein forms A1188D, A1226D.
Identifiers: ClinVar variation 4072578 (VCV004072578.2).
Genomic context (GRCh38, chr16:3,757,309, plus strand): 5'-TGCCCTAAGACATAATGCAGGATGCTGCTTGACGCTTACCTATTCTGATAGCTGTAGTAG[G>T]CAGCATCGCGAGGAATGGTACACAGCTGCTTCCCATAGCAGCACAAAGTCTGTGGGGAAA-3'
Protein context (NP_004371.2, residues 1216-1236): KQLCTIPRDA[Ala1226Asp]YYSYQNRYHF